The following is an entry in ClinVar:

ClinVar aggregate classification (germline): Benign. Review status: criteria provided, multiple submitters, no conflicts (2 of 4 stars). 8 submissions from 8 submitters: Benign (6). 2 of the submissions do not count toward it. Last evaluated 2026-02-04.

Conditions:
Hypertrophic cardiomyopathy 26. Also called: Cardiomyopathy, familial hypertrophic, 26. Identifiers: Orphanet 75249, MedGen C4310749, MONDO:0014883, OMIM 617047.
Distal myopathy with posterior leg and anterior hand involvement. Also called: WILLIAMS DISTAL MYOPATHY. Identifiers: Orphanet 63273, MedGen C3279722, MONDO:0013550, OMIM 614065.
Myofibrillar myopathy 5. Also called: Filaminopathy (type); FILAMINOPATHY, AUTOSOMAL DOMINANT. Identifiers: Orphanet 171445, MedGen C1836050, MONDO:0012289, OMIM 609524.

Allele frequency attached by ClinVar (database versions not stated): ESP Exome Variant Server 0.15590; gnomAD 0.17192; TOPMed 0.18525; 1000 Genomes Project 30x 0.26686; 1000 Genomes Project 0.26737.
gnomAD v4.1: 139,474 of 1,613,054 alleles (8.6%); highest among the groups gnomAD compares: African/African-American, 40%; 12,991 homozygotes.

Submissions (8):

Labcorp Genetics (formerly Invitae), Labcorp
Classification: Benign for Distal myopathy with posterior leg and anterior hand involvement; Myofibrillar myopathy 5; Hypertrophic cardiomyopathy 26. Last evaluated: 2026-02-04. Review status: criteria provided, single submitter. Criteria: Invitae Variant Classification Sherloc (09022015). Collection method: clinical testing. Allele origin: germline.

Women's Health and Genetics/Laboratory Corporation of America, LabCorp
Classification: Benign. Last evaluated: 2021-07-08. Review status: criteria provided, single submitter. Criteria: LabCorp Variant Classification Summary - May 2015. Collection method: clinical testing. Allele origin: germline.

GeneDx
Classification: Benign. Last evaluated: 2016-02-12. Review status: criteria provided, single submitter. Criteria: GeneDx Variant Classification (06012015). Collection method: clinical testing. Allele origin: germline. Affected: yes.
Comment: This variant is considered likely benign or benign based on one or more of the following criteria: it is a conservative change, it occurs at a poorly conserved position in the protein, it is predicted to be benign by multiple in silico algorithms, and/or has population frequency not consistent with disease.

Laboratory for Molecular Medicine, Mass General Brigham Personalized Medicine
Classification: Benign. Last evaluated: 2014-11-24. Review status: criteria provided, single submitter. Criteria: LMM Criteria. Collection method: clinical testing. Allele origin: germline. Observed: 4 variant alleles.
Comment: 2265+12C>G in intron 14 of FLNC: This variant is not expected to have clinical s ignificance because it is not located within the conserved splice consensus sequ ence. It has been identified in 36.7% (1523/4152) of African American chromosome s from a broad population by the NHLBI Exome Sequencing Project (dbSNP rs2291566).

Breakthrough Genomics
Classification: Benign. Review status: criteria provided, single submitter. Criteria: ACMG Guidelines, 2015. Collection method: not provided. Allele origin: germline. Inheritance: Autosomal dominant inheritance. Affected: yes.

PreventionGenetics, part of Exact Sciences
Classification: Benign. Review status: criteria provided, single submitter. Criteria: ACMG Guidelines, 2015. Collection method: clinical testing. Allele origin: germline.

Clinical Genetics, Academic Medical Center
Classification: Benign. Review status: no assertion criteria provided. Collection method: clinical testing. Allele origin: germline. Affected: yes. Study: VKGL Data-share Consensus. Not counted in ClinVar's aggregate classification.

Joint Genome Diagnostic Labs from Nijmegen and Maastricht, Radboudumc and MUMC+
Classification: Benign. Review status: no assertion criteria provided. Collection method: clinical testing. Allele origin: germline. Affected: yes. Study: VKGL Data-share Consensus. Not counted in ClinVar's aggregate classification.

NM_001458.5(FLNC):c.2265+12C>G

Gene: FLNC (filamin C; plus strand). Cytogenetic location: 7q32.1.
Variant type: single nucleotide variant.
Coding change: c.2265+12C>G on transcript NM_001458.5 (MANE Select); 12 bases into the intron after coding-DNA position 2265, C replaced by G.
Molecular consequence: intron variant.
Genome position (GRCh38, 1-based): chr7:128,842,386, C>G. VCF-style: chr7-128842386-C-G. GRCh37 (hg19) VCF-style: chr7-128482440-C-G.
Other names: c.2265+12C>G (NM_001127487.2).
Identifiers: ClinVar variation 226640 (VCV000226640.18), dbSNP rs2291566, ClinGen allele CA4474655.